The following is an entry in ClinVar:

ClinVar aggregate classification (germline): Uncertain significance (1 of 4 stars; one submission).

Conditions:
Hereditary cancer-predisposing syndrome. Also called: Tumor predisposition; Neoplastic Syndromes, Hereditary; Hereditary neoplastic syndrome; Hereditary Cancer Syndrome. Identifiers: Orphanet 140162, MedGen C0027672, MeSH D009386, MONDO:0015356.

Submission:

Ambry Genetics
Classification: Uncertain significance for Hereditary cancer-predisposing syndrome. Last evaluated: 2024-11-15. Review status: criteria provided, single submitter. Criteria: Ambry Variant Classification Scheme 2023. Collection method: clinical testing. Allele origin: germline.
Comment: The p.A1742P variant (also known as c.5224G>C), located in coding exon 40 of the TSC2 gene, results from a G to C substitution at nucleotide position 5224. The alanine at codon 1742 is replaced by proline, an amino acid with highly similar properties. This amino acid position is conserved. In addition, this alteration is predicted to be deleterious by in silico analysis. Based on the available evidence, the clinical significance of this variant remains unclear.

NM_000548.5(TSC2):c.5224G>C (p.Ala1742Pro)

Gene: TSC2 (TSC complex subunit 2; plus strand). Cytogenetic location: 16p13.3.
Variant type: single nucleotide variant.
Coding change: c.5224G>C on transcript NM_000548.5 (MANE Select); coding-DNA position 5224, G replaced by C.
Protein change: p.Ala1742Pro; replaces alanine 1742 with proline.
Molecular consequence: missense variant. On other transcripts: non-coding transcript variant (5).
Genome position (GRCh38, 1-based): chr16:2,088,290, G>C. VCF-style: chr16-2088290-G-C. GRCh37 (hg19) VCF-style: chr16-2138291-G-C.
Other names: c.5023G>C, p.Ala1675Pro (NM_001077183.3); c.5155G>C, p.Ala1719Pro (NM_001114382.3); c.4915G>C, p.Ala1639Pro (NM_001318827.2); c.4879G>C, p.Ala1627Pro (NM_001318829.2); c.4492G>C, p.Ala1498Pro (NM_001318831.2); c.5056G>C, p.Ala1686Pro (NM_001318832.2); c.5026G>C, p.Ala1676Pro (NM_001363528.2); c.5092G>C, p.Ala1698Pro (NM_001370404.1); and 27 more; short protein forms A1227P, A1251P, A1271P, A1498P, A1518P, A1522P, A1627P, A1638P.
Identifiers: ClinVar variation 3462676 (VCV003462676.1).